The following is an entry in ClinVar:

ClinVar aggregate classification (germline): Uncertain significance (1 of 4 stars; one submission).

Conditions:
Mitochondrial complex II deficiency, nuclear type 1. Also called: SUCCINATE CoQ REDUCTASE DEFICIENCY. Identifiers: Orphanet 3208, MedGen C5700310, MONDO:0100294, OMIM 252011.
Pheochromocytoma/paraganglioma syndrome 5. Also called: Paragangliomas 5; SDHA-Related Hereditary Paraganglioma-Pheochromocytoma Syndrome. Identifiers: Orphanet 29072, MedGen C3279992, MONDO:0013602, OMIM 614165.

Submission:

Labcorp Genetics (formerly Invitae), Labcorp
Classification: Uncertain significance for Pheochromocytoma/paraganglioma syndrome 5; Mitochondrial complex II deficiency, nuclear type 1. Last evaluated: 2023-05-05. Review status: criteria provided, single submitter. Criteria: Invitae Variant Classification Sherloc (09022015). Collection method: clinical testing. Allele origin: germline.
Comment: In summary, the available evidence is currently insufficient to determine the role of this variant in disease. Therefore, it has been classified as a Variant of Uncertain Significance. Advanced modeling of protein sequence and biophysical properties (such as structural, functional, and spatial information, amino acid conservation, physicochemical variation, residue mobility, and thermodynamic stability) performed at Invitae indicates that this missense variant is expected to disrupt SDHA protein function. This variant has not been reported in the literature in individuals affected with SDHA-related conditions. This variant is not present in population databases (gnomAD no frequency). This sequence change replaces arginine, which is basic and polar, with glycine, which is neutral and non-polar, at codon 594 of the SDHA protein (p.Arg594Gly).

NM_004168.4(SDHA):c.1780A>G (p.Arg594Gly)

Gene: SDHA (succinate dehydrogenase complex flavoprotein subunit A; plus strand). Cytogenetic location: 5p15.33.
Variant type: single nucleotide variant.
Coding change: c.1780A>G on transcript NM_004168.4 (MANE Select); coding-DNA position 1780, A replaced by G.
Protein change: p.Arg594Gly; replaces arginine 594 with glycine.
Molecular consequence: missense variant. On other transcripts: intron variant (1).
Genome position (GRCh38, 1-based): chr5:251,454, A>G. VCF-style: chr5-251454-A-G. GRCh37 (hg19) VCF-style: chr5-251569-A-G.
Other names: c.1636A>G, p.Arg546Gly (NM_001294332.2); c.1552-2939A>G (NM_001330758.2); short protein forms R546G, R594G.
Identifiers: ClinVar variation 2943381 (VCV002943381.3), dbSNP rs2477459154, ClinGen allele CA359000409.